The following is an entry in ClinVar:

NM_006767.4(LZTR1):c.605T>G (p.Met202Arg)

Gene: LZTR1 (leucine zipper like post translational regulator 1; plus strand). Cytogenetic location: 22q11.21.
Variant type: single nucleotide variant.
Coding change: c.605T>G on transcript NM_006767.4 (MANE Select); coding-DNA position 605, T replaced by G.
Protein change: p.Met202Arg; replaces methionine 202 with arginine.
Molecular consequence: missense variant.
Genome position (GRCh38, 1-based): chr22:20,989,636, T>G. VCF-style: chr22-20989636-T-G. GRCh37 (hg19) VCF-style: chr22-21343925-T-G.
Other names: short protein forms M202R.
Identifiers: ClinVar variation 4710612 (VCV004710612.1).

ClinVar aggregate classification (germline): Uncertain significance (1 of 4 stars; one submission).

gnomAD v4.1: 1 of 1,613,480 alleles (0.000062%); highest among the groups gnomAD compares: Non-Finnish European, 0.000085%; no homozygotes.

Submission:

Labcorp Genetics (formerly Invitae), Labcorp
Classification: Uncertain significance. Last evaluated: 2026-01-27. Review status: criteria provided, single submitter. Criteria: Invitae Variant Classification Sherloc (09022015). Collection method: clinical testing. Allele origin: germline.
Comment: This sequence change replaces methionine, which is neutral and non-polar, with arginine, which is basic and polar, at codon 202 of the LZTR1 protein (p.Met202Arg). This variant is not present in population databases (gnomAD no frequency). This missense change has been observed in individual(s) with schwannomatosis (PMID: 25480913). It has also been observed to segregate with disease in related individuals. Invitae Evidence Modeling of protein sequence and biophysical properties (such as structural, functional, and spatial information, amino acid conservation, physicochemical variation, residue mobility, and thermodynamic stability) indicates that this missense variant is not expected to disrupt LZTR1 protein function with a negative predictive value of 80%. Experimental studies have shown that this missense change affects LZTR1 function (PMID: 30442762). Algorithms developed to predict the effect of sequence changes on RNA splicing suggest that this variant may disrupt the consensus splice site. In summary, the available evidence is currently insufficient to determine the role of this variant in disease. Therefore, it has been classified as a Variant of Uncertain Significance.

Literature cited by the submitters: PubMed 25480913; PubMed 30442762.